The following is an entry in ClinVar:

ClinVar aggregate classification (germline): Uncertain significance (1 of 4 stars; one submission).

gnomAD v4.1: 3 of 1,608,678 alleles (0.00019%); highest among the groups gnomAD compares: South Asian, 0.0022%; no homozygotes.

Submission:

GeneDx
Classification: Uncertain significance. Last evaluated: 2025-07-05. Review status: criteria provided, single submitter. Criteria: GeneDx Variant Classification Process June 2021. Collection method: clinical testing. Allele origin: germline. Affected: yes.
Comment: In silico analysis suggests that this missense variant does not alter protein structure/function; Has not been previously published as pathogenic or benign to our knowledge

NM_001346249.2(RALGAPA1):c.560T>C (p.Ile187Thr)

Gene: RALGAPA1 (Ral GTPase activating protein catalytic subunit alpha 1; minus strand). Cytogenetic location: 14q13.2.
Variant type: single nucleotide variant.
Coding change: c.560T>C on transcript NM_001346249.2 (MANE Select); coding-DNA position 560, T replaced by C.
Protein change: p.Ile187Thr; replaces isoleucine 187 with threonine.
Molecular consequence: missense variant.
Genome position (GRCh38, 1-based): chr14:35,756,896, A>G on the plus strand (T>C on the coding strand, the complement: RALGAPA1 is on the minus strand). VCF-style: chr14-35756896-A-G. GRCh37 (hg19) VCF-style: chr14-36226102-A-G.
Other names: c.560T>C, p.Ile187Thr (NM_001283043.3, NM_001283044.3, NM_001330075.3 and 7 more transcripts); short protein forms I187T.
Identifiers: ClinVar variation 4685154 (VCV004685154.1).
Genomic context (GRCh38, chr14:35,756,896, plus strand): 5'-GTGAGATCTTCTTGCCCTTTATCTCCTGATTGTGGGGGGACAAGAGGAGTGATTTCTTCT[A>G]TAGTGACTTGAGCTATCCAAAGACAAAAGAATAGTATATAGTTACAAAACAAATTTAATA-3'
Protein context (NP_001333178.1, residues 177-197): PLNLQETQVT[Ile187Thr]EEITPLVPPQ